The following is an entry in ClinVar:

NM_001080453.3(INTS1):c.4979T>C (p.Leu1660Pro)

Gene: INTS1 (integrator complex subunit 1; minus strand). Cytogenetic location: 7p22.3.
Variant type: single nucleotide variant.
Coding change: c.4979T>C on transcript NM_001080453.3 (MANE Select); coding-DNA position 4979, T replaced by C.
Protein change: p.Leu1660Pro; replaces leucine 1660 with proline.
Molecular consequence: missense variant.
Genome position (GRCh38, 1-based): chr7:1,476,878, A>G on the plus strand (T>C on the coding strand, the complement: INTS1 is on the minus strand). VCF-style: chr7-1476878-A-G. GRCh37 (hg19) VCF-style: chr7-1516514-A-G.
Other names: c.1496T>C, p.Leu499Pro (NM_015674.1); short protein forms L1660P, L499P.
Identifiers: ClinVar variation 2501924 (VCV002501924.1), dbSNP rs2483309625, ClinGen allele CA366583904.

ClinVar aggregate classification (germline): Uncertain significance (1 of 4 stars; one submission).

Submission:

GeneDx
Classification: Uncertain significance. Last evaluated: 2022-11-15. Review status: criteria provided, single submitter. Criteria: GeneDx Variant Classification Process June 2021. Collection method: clinical testing. Allele origin: germline. Affected: yes.
Comment: Not observed at significant frequency in large population cohorts (gnomAD); In silico analysis supports that this missense variant has a deleterious effect on protein structure/function; In silico analysis is inconclusive as to whether the variant alters gene splicing. In the absence of RNA/functional studies, the actual effect of this sequence change is unknown.; Has not been previously published as pathogenic or benign to our knowledge